The following is an entry in ClinVar:

ClinVar aggregate classification (germline): Conflicting classifications of pathogenicity. Review status: criteria provided, conflicting classifications (1 of 4 stars). 3 submissions from 3 submitters: Uncertain significance (1); Likely benign (1). 1 of the submissions does not count toward it. Last evaluated 2024-11-07.

Conditions:
Episodic ataxia type 2 (EA2). Also called: EPISODIC ATAXIA, NYSTAGMUS-ASSOCIATED; ACETAZOLAMIDE-RESPONSIVE HEREDITARY PAROXYSMAL CEREBELLAR ATAXIA; ATAXIA, EPISODIC, WITH NYSTAGMUS; ATAXIA, FAMILIAL PAROXYSMAL; CEREBELLAR ATAXIA, PAROXYSMAL, ACETAZOLAMIDE-RESPONSIVE; CEREBELLOPATHY, HEREDITARY PAROXYSMAL. Identifiers: Orphanet 97, MedGen C1720416, MONDO:0007163, OMIM 108500.

Allele frequency attached by ClinVar (database versions not stated): gnomAD exomes below 0.00001 and 0.00001.
gnomAD v4.1: 10 of 1,608,922 alleles (0.00062%); highest among the groups gnomAD compares: Non-Finnish European, 0.00085%; no homozygotes.

Submissions (3):

GeneDx
Classification: Uncertain significance. Last evaluated: 2024-11-07. Review status: criteria provided, single submitter. Criteria: GeneDx Variant Classification Process June 2021. Collection method: clinical testing. Allele origin: germline. Affected: yes.
Comment: Reported previously in a patient with common migraine attacks and history of paroxysmal torticollis of infancy with mild ataxic gait noted during the dystonic episodes; the variant was also present in the patient's brother and mother who also had common migraine attacks (PMID: 20129625); In silico analysis supports that this missense variant has a deleterious effect on protein structure/function; Not observed at significant frequency in large population cohorts (gnomAD); This variant is associated with the following publications: (PMID: 32116539, 32899500, 20129625)

Blueprint Genetics
Classification: Likely benign. Last evaluated: 2021-06-22. Review status: criteria provided, single submitter. Criteria: ACMG Guidelines, 2015. Collection method: clinical testing. Allele origin: germline.

UniProtKB/Swiss-Prot
No classification provided. Condition: Episodic ataxia type 2. Review status: no classification provided. Collection method: not provided. Allele origin: not provided. Not counted in ClinVar's aggregate classification.

NM_001127222.2(CACNA1A):c.2390T>C (p.Met797Thr)

Gene: CACNA1A (calcium voltage-gated channel subunit alpha1 A; minus strand). Cytogenetic location: 19p13.13.
Variant type: single nucleotide variant.
Coding change: c.2390T>C on transcript NM_001127222.2 (MANE Select); coding-DNA position 2390, T replaced by C.
Protein change: p.Met797Thr; replaces methionine 797 with threonine.
Molecular consequence: missense variant.
Genome position (GRCh38, 1-based): chr19:13,299,243, A>G on the plus strand (T>C on the coding strand, the complement: CACNA1A is on the minus strand). VCF-style: chr19-13299243-A-G. GRCh37 (hg19) VCF-style: chr19-13410057-A-G.
Other names: c.2402T>C, p.Met801Thr (NM_000068.4, NM_023035.3); c.2393T>C, p.Met798Thr (NM_001127221.2, NM_001174080.2); short protein forms M798T, M801T, M797T.
Identifiers: ClinVar variation 68424 (VCV000068424.5), dbSNP rs121908241, ClinGen allele CA266041.